The following is an entry in ClinVar:

NM_017934.7(PHIP):c.4187C>T (p.Thr1396Ile)

Genes: IRAK1BP1 (interleukin 1 receptor associated kinase 1 binding protein 1; plus strand), PHIP (PHIP subunit of CUL4-Ring ligase complex; minus strand). Cytogenetic location: 6q14.1.
Variant type: single nucleotide variant.
Coding change: c.4187C>T on transcript NM_017934.7 (MANE Select); coding-DNA position 4187, C replaced by T.
Protein change: p.Thr1396Ile; replaces threonine 1396 with isoleucine.
Molecular consequence: missense variant.
Genome position (GRCh38, 1-based): chr6:78,947,642, G>A on the plus strand (C>T on the coding strand, the complement: PHIP is on the minus strand). VCF-style: chr6-78947642-G-A. GRCh37 (hg19) VCF-style: chr6-79657359-G-A.
Other names: short protein forms T1396I.
Identifiers: ClinVar variation 3349243 (VCV003349243.1).

ClinVar aggregate classification (germline): Uncertain significance (0 of 4 stars; one submission).

Conditions:
PHIP-related disorder. Also called: PHIP-related condition; PHIP-related disorders.

Submission:

PreventionGenetics, part of Exact Sciences
Classification: Uncertain significance for PHIP-related condition. Last evaluated: 2024-03-07. Review status: no assertion criteria provided. Collection method: clinical testing. Allele origin: germline.
Comment: The PHIP c.4187C>T variant is predicted to result in the amino acid substitution p.Thr1396Ile. To our knowledge, this variant has not been reported in the literature or in a large population database, indicating this variant is rare. At this time, the clinical significance of this variant is uncertain due to the absence of conclusive functional and genetic evidence.